The following is an entry in ClinVar:

NM_015100.4(POGZ):c.290A>G (p.Asn97Ser)

Gene: POGZ (pogo transposable element derived with ZNF domain; minus strand). Cytogenetic location: 1q21.3.
Variant type: single nucleotide variant.
Coding change: c.290A>G on transcript NM_015100.4 (MANE Select); coding-DNA position 290, A replaced by G.
Protein change: p.Asn97Ser; replaces asparagine 97 with serine.
Molecular consequence: missense variant. On other transcripts: intron variant (1).
Genome position (GRCh38, 1-based): chr1:151,430,835, T>C on the plus strand (A>G on the coding strand, the complement: POGZ is on the minus strand). VCF-style: chr1-151430835-T-C. GRCh37 (hg19) VCF-style: chr1-151403311-T-C.
Other names: c.290A>G, p.Asn97Ser (NM_001194937.2); c.131A>G, p.Asn44Ser (NM_001194938.2, NM_207171.2); c.311A>G, p.Asn104Ser (NM_001410860.1); c.284-2422A>G (NM_145796.4); short protein forms N104S, N44S, N97S.
Identifiers: ClinVar variation 2639179 (VCV002639179.24), dbSNP rs2529544037, ClinGen allele CA341982782.

ClinVar aggregate classification (germline): Uncertain significance (1 of 4 stars; one submission).

Allele frequency attached by ClinVar (database versions not stated): gnomAD exomes below 0.00001.
gnomAD v4.1: 1 of 1,560,336 alleles (0.000064%); highest among the groups gnomAD compares: Non-Finnish European, 0.000086%; no homozygotes.

Submission:

CeGaT Center for Human Genetics Tuebingen
Classification: Uncertain significance. Last evaluated: 2022-10-01. Review status: criteria provided, single submitter. Criteria: CeGaT Center For Human Genetics Tuebingen Variant Classification Criteria Version 2. Collection method: clinical testing. Allele origin: germline. Affected: yes. Observed: 1 variant allele.
Comment: POGZ: PM2, PP2, BP4